The following is an entry in ClinVar:

NM_003072.5(SMARCA4):c.859+1del

Gene: SMARCA4 (SWI/SNF related BAF chromatin remodeling complex subunit ATPase 4; plus strand). Cytogenetic location: 19p13.2.
Variant type: Deletion.
Coding change: c.859+1del on transcript NM_003072.5 (MANE Select); the canonical splice donor site of the intron after coding-DNA position 859, one base deleted (G; older notation c.859+1delG).
Molecular consequence: splice donor variant.
Genome position (GRCh38, 1-based): chr19:10,987,004, G deleted; the last of 2 consecutive G bases (chr19:10,987,003-10,987,004); deleting either gives the same sequence. VCF-style (leftmost placement, unchanged base first): chr19-10987002-AG-A. GRCh37 (hg19) VCF-style: chr19-11097678-AG-A.
Other names: c.859+1del (NM_001128844.3, NM_001128849.3, NM_001128847.4 and 6 more transcripts).
Identifiers: ClinVar variation 5029806 (VCV005029806.1).

ClinVar aggregate classification (germline): Uncertain significance (1 of 4 stars; one submission).

Conditions:
Hereditary cancer-predisposing syndrome. Also called: Neoplastic Syndromes, Hereditary; Tumor predisposition; Hereditary neoplastic syndrome; Hereditary Cancer Syndrome. Identifiers: Orphanet 140162, MedGen C0027672, MeSH D009386, MONDO:0015356.

Submission:

Ambry Genetics
Classification: Uncertain significance for Hereditary cancer-predisposing syndrome. Last evaluated: 2026-08-28. Review status: criteria provided, single submitter. Criteria: Ambry Variant Classification Scheme 2023. Collection method: clinical testing. Allele origin: germline.
Comment: The c.859+1delG intronic variant results from a deletion of one nucleotide at position 859+1 and involves the canonical splice donor site after coding exon 4 of the SMARCA4 gene. The canonical splice donor site is highly conserved in available vertebrate species. In silico splice site analysis predicts that this alteration will weaken the native splice donor site and may result in the creation or strengthening of a novel splice donor site. RNA studies have demonstrated that this variant results in a transcript predicted to lead to a protein with an in-frame deletion of 33 amino acids; however, the exact functional impact of the deleted amino acids is unknown at this time (Ambry internal data). Based on the available evidence, the clinical significance of this variant remains unclear.